The following is an entry in ClinVar:

ClinVar aggregate classification (germline): Uncertain significance (1 of 4 stars; one submission).

Conditions:
Focal segmental glomerulosclerosis 5 (FSGS5). Identifiers: Orphanet 656, MedGen C2750475, MONDO:0013191, OMIM 613237.
Charcot-Marie-Tooth disease dominant intermediate E. Also called: CHARCOT-MARIE-TOOTH NEUROPATHY WITH FOCAL SEGMENTAL GLOMERULONEPHRITIS. Identifiers: Orphanet 93114, MedGen C4302667, MONDO:0013758, OMIM 614455.

Allele frequency attached by ClinVar (database versions not stated): gnomAD exomes below 0.00001; TOPMed below 0.00001.
gnomAD v4.1: 3 of 1,611,396 alleles (0.00019%); highest among the groups gnomAD compares: East Asian, 0.0067%; no homozygotes.

Submission:

Labcorp Genetics (formerly Invitae), Labcorp
Classification: Uncertain significance for Charcot-Marie-Tooth disease dominant intermediate E; Focal segmental glomerulosclerosis 5. Last evaluated: 2022-07-19. Review status: criteria provided, single submitter. Criteria: Invitae Variant Classification Sherloc (09022015). Collection method: clinical testing. Allele origin: germline.
Comment: This variant has not been reported in the literature in individuals affected with INF2-related conditions. This variant is not present in population databases (gnomAD no frequency). This sequence change falls in intron 15 of the INF2 gene. It does not directly change the encoded amino acid sequence of the INF2 protein. ClinVar contains an entry for this variant (Variation ID: 1359869). In summary, the available evidence is currently insufficient to determine the role of this variant in disease. Therefore, it has been classified as a Variant of Uncertain Significance. Algorithms developed to predict the effect of sequence changes on RNA splicing suggest that this variant may create or strengthen a splice site.

NM_022489.4(INF2):c.2419-19T>A

Gene: INF2 (inverted formin 2; plus strand). Cytogenetic location: 14q32.33.
Variant type: single nucleotide variant.
Coding change: c.2419-19T>A on transcript NM_022489.4 (MANE Select); 19 bases into the intron before coding-DNA position 2419, T replaced by A.
Molecular consequence: intron variant.
Genome position (GRCh38, 1-based): chr14:104,711,610, T>A. VCF-style: chr14-104711610-T-A. GRCh37 (hg19) VCF-style: chr14-105177947-T-A.
Other names: c.2419-19T>A (NM_001031714.4).
Identifiers: ClinVar variation 1359869 (VCV001359869.6), dbSNP rs1890051019, ClinGen allele CA2160930001.
Genomic context (GRCh38, chr14:104,711,610, plus strand): 5'-GCTGGGGGAGTGGGAACAGGGTCATCCCCAGGTGGAGAGTATGACCACAGTGGATCTCAC[T>A]GGACGTGTCCCATTGCAGGAAGCGGAAAAGAGCCACCCCGACCTCCTGCAGCTGCCCCGG-3'